The following is an entry in ClinVar:

ClinVar aggregate classification (germline): Uncertain significance (1 of 4 stars; one submission).

Allele frequency attached by ClinVar (database versions not stated): gnomAD 0.00001.
gnomAD v4.1: 23 of 1,453,796 alleles (0.0016%); highest among the groups gnomAD compares: East Asian, 0.015%; no homozygotes.

Submission:

Labcorp Genetics (formerly Invitae), Labcorp
Classification: Uncertain significance. Last evaluated: 2023-06-16. Review status: criteria provided, single submitter. Criteria: Invitae Variant Classification Sherloc (09022015). Collection method: clinical testing. Allele origin: germline.
Comment: In summary, the available evidence is currently insufficient to determine the role of this variant in disease. Therefore, it has been classified as a Variant of Uncertain Significance. Algorithms developed to predict the effect of missense changes on protein structure and function output the following: SIFT: "Not Available"; PolyPhen-2: "Possibly Damaging"; Align-GVGD: "Not Available". The phenylalanine amino acid residue is found in multiple mammalian species, which suggests that this missense change does not adversely affect protein function. ClinVar contains an entry for this variant (Variation ID: 2049046). This variant has not been reported in the literature in individuals affected with DMRT2-related conditions. This variant is not present in population databases (gnomAD no frequency). This sequence change replaces serine, which is neutral and polar, with phenylalanine, which is neutral and non-polar, at codon 71 of the DMRT2 protein (p.Ser71Phe).

NM_181872.6(DMRT2):c.212C>T (p.Ser71Phe)

Gene: DMRT2 (doublesex and mab-3 related transcription factor 2; plus strand). Cytogenetic location: 9p24.3.
Variant type: single nucleotide variant.
Coding change: c.212C>T on transcript NM_181872.6 (MANE Select); coding-DNA position 212, C replaced by T.
Protein change: p.Ser71Phe; replaces serine 71 with phenylalanine.
Molecular consequence: missense variant. On other transcripts: 5 prime UTR variant (1), non-coding transcript variant (1).
Genome position (GRCh38, 1-based): chr9:1,051,825, C>T. VCF-style: chr9-1051825-C-T. GRCh37 (hg19) VCF-style: chr9-1051825-C-T.
Other names: c.212C>T, p.Ser71Phe (NM_001130865.3, NM_001370531.1, NM_001370533.1 and 4 more transcripts); c.-439C>T (NM_001370532.1); short protein forms S71F.
Identifiers: ClinVar variation 2049046 (VCV002049046.4), dbSNP rs1223880197, ClinGen allele CA372773248.
Genomic context (GRCh38, chr9:1,051,825, plus strand): 5'-ATGACGACGGGGTGGACGAAGACGCGGAAGAAGAGGGCGACGGCGAGGAGGCAGGCGCGT[C>T]CCCCGGGATGCCCGGCCAGCCGGAGCAGCGGGGGGGACCGCAGCCGAGGCCGCCGCTCGC-3'
Protein context (NP_870987.2, residues 61-81): EEGDGEEAGA[Ser71Phe]PGMPGQPEQR